The following is an entry in ClinVar:

ClinVar aggregate classification (germline): Uncertain significance. Review status: criteria provided, multiple submitters, no conflicts (2 of 4 stars). 2 submissions from 2 submitters: Uncertain significance (2). Last evaluated 2024-09-23.

Conditions:
Familial hypercholesterolemia. Also called: Familial hypercholesterolaemia; Familial hypercholesterolemias. Identifiers: MedGen C0020445, MONDO:0005439.
Hypercholesterolemia, autosomal dominant, 3 (FHCL3). Also called: PCSK9-Related Familial Hypercholesterolemia, Autosomal Dominant; Familial hypercholesterolemia 3; Familial Hypercholesterolemia, Autosomal Dominant, 3. Identifiers: MedGen C1863551, MONDO:0011369, OMIM 603776.

Allele frequency attached by ClinVar (database versions not stated): gnomAD exomes below 0.00001; ExAC 0.00001.

Submissions (2):

All of Us Research Program, National Institutes of Health
Classification: Uncertain significance for Hypercholesterolemia, autosomal dominant, 3. Last evaluated: 2024-09-23. Review status: criteria provided, single submitter. Criteria: ACMG Guidelines, 2015. Collection method: clinical testing. Allele origin: germline. Inheritance: Autosomal dominant inheritance. Observed: 3 variant alleles, 3 heterozygotes.
Comment: This missense variant replaces glutamic acid with lysine at codon 144 of the PCSK9 protein. Computational prediction tools indicate that this variant has a deleterious impact on protein structure and function. A functional study using a transgenic mouse model has shown that this variant causes impaired secretion of PCSK9 and reduced cholesterol levels; PCSK9 secretion was similarly reduced in transfected HEK293 cells, consistent with a loss of PCSK9 function (PMID: 37165876). This variant has been reported in one family with low LDL-C levels, and segregated with this phenotype in three individuals (PMID: 37165876). This variant has been identified in 1/251482 chromosomes in the general population by the Genome Aggregation Database (gnomAD). In summary, this variant has been reported in individuals with low LDL-C levels and functional studies support that it may not be associated with disease. However, additional studies are necessary to determine the role of this variant in disease conclusively. Therefore, this variant is classified as a Variant of Uncertain Significance.

This study involves interpretation of variants in research participants for the purpose of population health screening. Participant phenotype was not available at the time of variant classification. Additional details can be found in publication PMID: 35346344, PMCID: PMC8962531

Color Diagnostics, LLC DBA Color Health
Classification: Uncertain significance for Familial hypercholesterolemia. Last evaluated: 2024-03-20. Review status: criteria provided, single submitter. Criteria: ACMG Guidelines, 2015. Collection method: clinical testing. Allele origin: germline.
Comment: This missense variant replaces glutamic acid with lysine at codon 144 of the PCSK9 protein. Computational prediction tools indicate that this variant has a deleterious impact on protein structure and function. A functional study using a transgenic mouse model has shown that this variant causes impaired secretion of PCSK9 and reduced cholesterol levels; PCSK9 secretion was similarly reduced in transfected HEK293 cells, consistent with a loss of PCSK9 function (PMID: 37165876). This variant has been reported in one family with low LDL-C levels, and segregated with this phenotype in three individuals (PMID: 37165876). This variant has been identified in 1/251482 chromosomes in the general population by the Genome Aggregation Database (gnomAD). In summary, this variant has been reported in individuals with low LDL-C levels and functional studies support that it may not be associated with disease. However, additional studies are necessary to determine the role of this variant in disease conclusively. Therefore, this variant is classified as a Variant of Uncertain Significance.

Literature cited by the submitters: PubMed 37165876 (cited by All of Us Research Program, National Institutes of Health and Color Diagnostics, LLC DBA Color Health).

NM_174936.4(PCSK9):c.430G>A (p.Glu144Lys)

Gene: PCSK9 (proprotein convertase subtilisin/kexin type 9; plus strand). Cytogenetic location: 1p32.3.
Variant type: single nucleotide variant.
Coding change: c.430G>A on transcript NM_174936.4 (MANE Select); coding-DNA position 430, G replaced by A.
Protein change: p.Glu144Lys; replaces glutamic acid 144 with lysine.
Molecular consequence: missense variant.
Genome position (GRCh38, 1-based): chr1:55,046,553, G>A. VCF-style: chr1-55046553-G-A. GRCh37 (hg19) VCF-style: chr1-55512226-G-A.
Other names: short protein forms E144K.
Identifiers: ClinVar variation 926968 (VCV000926968.6), dbSNP rs776150122, ClinGen allele CA042195.